The following continues an entry in ClinVar:

NM_006912.6(RIT1):c.268A>G (p.Met90Val)

Gene: RIT1. ClinVar aggregate classification (germline): Pathogenic. Pathogenic (1).

Submissions 13 to 19 of 19:

Women's Health and Genetics/Laboratory Corporation of America, LabCorp
Classification: Pathogenic for RASopathy. Last evaluated: 2021-05-24. Review status: criteria provided, single submitter. Criteria: LabCorp Variant Classification Summary - May 2015. Collection method: clinical testing. Allele origin: germline. Not counted in ClinVar's aggregate classification.
Comment: Variant summary: RIT1 c.268A>G (p.Met90Val) results in a conservative amino acid change located in the Small GTP-binding protein domain of the encoded protein sequence. Three of five in-silico tools predict a damaging effect of the variant on protein function. The variant was absent in 251366 control chromosomes. c.268A>G has been reported in the literature as a de-novo occurrence in multiple fetal cases affected with Noonan Syndrome And Related Conditions (example, Milosavljevic_2016, Quinan-Jones_2019, Becher_2020, Stuurman_2019, Petrovski_2019). These data indicate that the variant is very likely to be associated with disease. At least one publication reports experimental evidence evaluating an impact on protein function. The most pronounced variant effect results in increased activation of ERK signaling supporting a gain of function outcome (Buschenfelde_2018). Three clinical diagnostic laboratories have submitted clinical-significance assessments for this variant to ClinVar after 2014 without evidence for independent evaluation. All laboratories classified the variant as pathogenic. Based on the evidence outlined above, the variant was classified as pathogenic.

Rady Children's Institute for Genomic Medicine, Rady Children's Hospital San Diego
Classification: Pathogenic for NOONAN SYNDROME 8. Last evaluated: 2020-08-28. Review status: criteria provided, single submitter. Criteria: ACMG Guidelines, 2015. Collection method: clinical testing. Allele origin: germline. Affected: yes. Not counted in ClinVar's aggregate classification.
Comment: This variant, also known in the literature as c.268A>G (p.Met90Val) based on transcript NM_006912.6, has been previously reported as a de novo heterozygous change in at least two patients with Noonan syndrome (PMID: 27109146, 30293990). Missense variants at the same amino acid residue (p.Met90Ile) and (p.Met90Thr) and at neighboring amino acid residues (p.Tyr89His) and (p.Gly95Ala) have been reported in individuals with Noonan Syndrome (PMID: 23791108, 24939608). Functional studies have demonstrated that this variant leads to increased ERK1/2 phosphorylation compared to wild-type RIT1 (PMID: 29734338). It is absent from the gnomAD population database and thus is presumed to be rare. The c.319A>G (p.Met107Val) variant affects a highly conserved amino acid and is predicted by multiple in silico tools to have a deleterious effect on protein function. Based on the available evidence, the c.319A>G (p.Met107Val) variant is classified as Pathogenic.

Genome Diagnostics Laboratory, The Hospital for Sick Children
Classification: Pathogenic for Noonan syndrome and Noonan-related syndrome. Last evaluated: 2020-03-01. Review status: criteria provided, single submitter. Criteria: ACMG Guidelines, 2015. Collection method: clinical testing. Allele origin: germline. Affected: yes. Not counted in ClinVar's aggregate classification.

Labcorp Genetics (formerly Invitae), Labcorp
Classification: Pathogenic for Noonan syndrome 8. Last evaluated: 2019-09-19. Review status: criteria provided, single submitter. Criteria: Invitae Variant Classification Sherloc (09022015). Collection method: clinical testing. Allele origin: germline. Not counted in ClinVar's aggregate classification.
Comment: Algorithms developed to predict the effect of sequence changes on RNA splicing suggest that this variant may create or strengthen a splice site, but this prediction has not been confirmed by published transcriptional studies. For these reasons, this variant has been classified as Pathogenic. This variant disrupts the p.Met90 amino acid residue in RIT1. Other variant(s) that disrupt this residue have been determined to be pathogenic (PMID: 23791108, 24939608, 25959749, 7109146, 27101134). This suggests that this residue is clinically significant, and that variants that disrupt this residue are likely to be disease-causing. This variant has been reported to affect RIT1 protein function (PMID: 29734338). This variant has been observed in individual(s) with Noonan syndrome (PMID: 27109146). In at least one individual the variant was observed to be de novo. ClinVar contains an entry for this variant (Variation ID: 561681). This variant is not present in population databases (ExAC no frequency). This sequence change replaces methionine with valine at codon 90 of the RIT1 protein (p.Met90Val). The methionine residue is highly conserved and there is a small physicochemical difference between methionine and valine.

Fulgent Genetics
Classification: Pathogenic for Noonan syndrome 8. Last evaluated: 2018-10-31. Review status: criteria provided, single submitter. Criteria: ACMG Guidelines, 2015. Collection method: clinical testing. Allele origin: unknown. Not counted in ClinVar's aggregate classification.

Juno Genomics, Hangzhou Juno Genomics, Inc
Classification: Pathogenic for Noonan syndrome 8. Review status: criteria provided, single submitter. Criteria: ACMG Guidelines, 2015. Collection method: clinical testing. Allele origin: germline. Affected: yes. Not counted in ClinVar's aggregate classification.
Comment: Absent from controls (or at extremely low frequency if recessive) in Genome Aggregation Database, Exome Sequencing Project, 1000 Genomes Project, or Exome Aggregation Consortium.;Well-established in vitro or in vivo functional studies supportive of a damaging effect on the gene or gene product.;The prevalence of the variant in affected individuals is significantly increased compared to the prevalence in controls.;De novo (both maternity and paternity confirmed) in a patient with the disease and no family history.;Novel missense change at an amino acid residue where a different missense change determined to be pathogenic has been seen before.

Service de Génétique Moléculaire, Hôpital Robert Debré
Classification: Likely pathogenic for Noonan syndrome. Review status: no assertion criteria provided. Collection method: clinical testing. Allele origin: de novo. Affected: yes. Not counted in ClinVar's aggregate classification.

Literature cited by the submitters: PubMed 29734338 (cited by 3 submitters); PubMed 27109146 (cited by 3 submitters); PubMed 34306696 (cited by Victorian Clinical Genetics Services, Murdoch Childrens Research Institute); PubMed 25294908 (cited by Women's Health and Genetics/Laboratory Corporation of America, LabCorp); PubMed 30293990 (cited by Women's Health and Genetics/Laboratory Corporation of America, LabCorp); PubMed 30712878 (cited by Women's Health and Genetics/Laboratory Corporation of America, LabCorp); PubMed 32304219 (cited by Women's Health and Genetics/Laboratory Corporation of America, LabCorp); PubMed 31040167 (cited by Women's Health and Genetics/Laboratory Corporation of America, LabCorp); PubMed 23791108 (cited by Labcorp Genetics (formerly Invitae), Labcorp); PubMed 24939608 (cited by Labcorp Genetics (formerly Invitae), Labcorp); PubMed 25959749 (cited by Labcorp Genetics (formerly Invitae), Labcorp); PubMed 7109146 (cited by Labcorp Genetics (formerly Invitae), Labcorp); PubMed 27101134 (cited by Labcorp Genetics (formerly Invitae), Labcorp).